The following is an entry in ClinVar:

NM_024334.3(TMEM43):c.163-3C>G

Gene: TMEM43 (transmembrane protein 43; plus strand). Cytogenetic location: 3p25.1.
Variant type: single nucleotide variant.
Coding change: c.163-3C>G on transcript NM_024334.3 (MANE Select); 3 bases into the intron before coding-DNA position 163, C replaced by G.
Molecular consequence: intron variant.
Genome position (GRCh38, 1-based): chr3:14,130,819, C>G. VCF-style: chr3-14130819-C-G. GRCh37 (hg19) VCF-style: chr3-14172319-C-G.
Other names: c.163-3C>G (NM_001407274.1, NM_001407276.1, NM_001407275.1 and 2 more transcripts); c.163-18C>G (NM_001407278.1); c.13-3C>G (NM_001407280.1).
Identifiers: ClinVar variation 3072430 (VCV003072430.2), dbSNP rs200533996, ClinGen allele CA2825001173.

ClinVar aggregate classification (germline): Uncertain significance. Review status: criteria provided, multiple submitters, no conflicts (2 of 4 stars). 2 submissions from 2 submitters: Uncertain significance (2). Last evaluated 2025-09-30.

Conditions:
Arrhythmogenic right ventricular dysplasia 5. Also called: Arrhythmogenic Right Ventricular Dysplasia/Cardiomyopathy 5; ARRHYTHMOGENIC RIGHT VENTRICULAR DYSPLASIA, FAMILIAL, 5. Identifiers: MedGen C1858379, MONDO:0011459, OMIM 604400.
Cardiomyopathy (CMYO). Also called: Cardiomyopathies. Identifiers: Orphanet 167848, MedGen C0878544, MONDO:0004994, HP:0001638. Inheritance: Various modes of inheritance.

Submissions (2):

Color Diagnostics, LLC DBA Color Health
Classification: Uncertain significance for Cardiomyopathy. Last evaluated: 2025-09-30. Review status: criteria provided, single submitter. Criteria: ACMG Guidelines, 2015. Collection method: clinical testing. Allele origin: germline.
Comment: This variant causes a C to G nucleotide substitution at the -3 position of intron 2 of the TMEM43 gene. To our knowledge, functional studies have not been reported for this variant. This variant has not been reported in individuals affected with TMEM43-related disorders in the literature. This variant has not been identified in the general population by the Genome Aggregation Database (gnomAD). The available evidence is insufficient to determine the role of this variant in disease conclusively. Therefore, this variant is classified as a Variant of Uncertain Significance.

All of Us Research Program, National Institutes of Health
Classification: Uncertain significance for Arrhythmogenic right ventricular dysplasia 5. Last evaluated: 2023-07-10. Review status: criteria provided, single submitter. Criteria: ACMG Guidelines, 2015. Collection method: clinical testing. Allele origin: germline. Inheritance: Autosomal dominant inheritance. Observed: 1 variant allele, 1 heterozygote.
Comment: This variant causes a C to G nucleotide substitution at the -3 position of intron 2 of the TMEM43 gene. Splice site prediction tools predict that this variant may have a significant impact on RNA splicing. To our knowledge, RNA studies have not been reported for this variant. This variant has not been reported in individuals affected with TMEM43-related disorders in the literature. This variant has not been identified in the general population by the Genome Aggregation Database (gnomAD). The available evidence is insufficient to determine the role of this variant in disease conclusively. Therefore, this variant is classified as a Variant of Uncertain Significance.

This study involves interpretation of variants in research participants for the purpose of population health screening. Participant phenotype was not available at the time of variant classification. Additional details can be found in publication PMID: 35346344, PMCID: PMC8962531